The following is an entry in ClinVar:

NM_001167.4(XIAP):c.664C>T (p.Arg222Ter)

Gene: XIAP (X-linked inhibitor of apoptosis; plus strand). Cytogenetic location: Xq25.
Variant type: single nucleotide variant.
Coding change: c.664C>T on transcript NM_001167.4 (MANE Select); coding-DNA position 664, C replaced by T.
Protein change: p.Arg222Ter; replaces arginine 222 with a stop codon.
Molecular consequence: nonsense.
Genome position (GRCh38, 1-based): chrX:123,886,326, C>T. VCF-style: chrX-123886326-C-T. GRCh37 (hg19) VCF-style: chrX-123020176-C-T.
Other names: c.664C>T, p.Arg222Ter (NM_001204401.2, NM_001378590.1, NM_001378591.1 and 1 more transcripts); short protein forms R222*.
Identifiers: ClinVar variation 533655 (VCV000533655.14), dbSNP rs1556404684, ClinGen allele CA414124190.

ClinVar aggregate classification (germline): Pathogenic. Review status: criteria provided, multiple submitters, no conflicts (2 of 4 stars). 3 submissions from 3 submitters: Pathogenic (3). Last evaluated 2025-11-25.

Conditions:
Inborn genetic diseases. Identifiers: MedGen C0950123, MeSH D030342.
X-linked lymphoproliferative disease due to XIAP deficiency. Also called: XIAP DEFICIENCY; XIAP-Related Lymphoproliferative Disease, X-Linked. Identifiers: Orphanet 2442, Orphanet 538934, MedGen C1845076, MONDO:0010385, OMIM 300635.

Allele frequency attached by ClinVar (database versions not stated): TOPMed below 0.00001.

Submissions (4):

Ambry Genetics
Classification: Pathogenic for Inborn genetic diseases. Last evaluated: 2025-11-25. Review status: criteria provided, single submitter. Criteria: Ambry Variant Classification Scheme 2023. Collection method: clinical testing. Allele origin: germline.
Comment: The c.664C>T (p.R222*) alteration, located in exon 2 (coding exon 1) of the XIAP gene, consists of a C to T substitution at nucleotide position 664. This changes the amino acid from a arginine (R) to a stop codon at amino acid position 222. This alteration is expected to result in loss of function by premature protein truncation or nonsense-mediated mRNA decay. This variant was not reported in population-based cohorts in the Genome Aggregation Database (gnomAD). This variant was reported in individual(s) with features consistent with XIAP-related lymphoproliferative syndrome; in at least one individual, it was determined to be de novo (Holle, 2015; Gadoury-Levesque, 2020). Based on the available evidence, this alteration is classified as pathogenic.

3billion
Classification: Pathogenic for X-linked lymphoproliferative disease due to XIAP deficiency. Last evaluated: 2025-08-25. Review status: criteria provided, single submitter. Criteria: ACMG Guidelines, 2015. Collection method: clinical testing. Allele origin: germline. Affected: yes.
Comment: The variant is not observed in the gnomAD v4.1.0 dataset. Predicted Consequence/Location: Stop-gained (nonsense): predicted to result in a loss or disruption of normal protein function through nonsense-mediated decay (NMD) or protein truncation. Multiple pathogenic variants are reported downstream of the variant. The variant has been reported to be associated with XIAP-related disorder (ClinVar ID: VCV000533655 /PMID: 21281876). Therefore, this variant is classified as Pathogenic according to the recommendation of ACMG/AMP guideline.

Labcorp Genetics (formerly Invitae), Labcorp
Classification: Pathogenic for X-linked lymphoproliferative disease due to XIAP deficiency. Last evaluated: 2024-10-16. Review status: criteria provided, single submitter. Criteria: Invitae Variant Classification Sherloc (09022015). Collection method: clinical testing. Allele origin: germline.
Comment: This sequence change creates a premature translational stop signal (p.Arg222*) in the XIAP gene. It is expected to result in an absent or disrupted protein product. Loss-of-function variants in XIAP are known to be pathogenic (PMID: 17080092, 21119115, 25666262). This variant is not present in population databases (gnomAD no frequency). This premature translational stop signal has been observed in individual(s) with XIAP-related disease (PMID: 21281876, 24084330, 25801017). ClinVar contains an entry for this variant (Variation ID: 533655). For these reasons, this variant has been classified as Pathogenic.

Dr. Peter K. Rogan Lab, Western University
No classification provided (evidence only). Condition: Nonpapillary renal cell carcinoma. Review status: no classification provided. Collection method: in vitro. Allele origin: not applicable. Functional consequence: retained intron. Not counted in ClinVar's aggregate classification.

Literature cited by the submitters: PubMed 25801017 (cited by Ambry Genetics and Labcorp Genetics (formerly Invitae), Labcorp); PubMed 32542393 (cited by Ambry Genetics); PubMed 21281876 (cited by 3billion and Labcorp Genetics (formerly Invitae), Labcorp); PubMed 17080092 (cited by Labcorp Genetics (formerly Invitae), Labcorp); PubMed 21119115 (cited by Labcorp Genetics (formerly Invitae), Labcorp); PubMed 25666262 (cited by Labcorp Genetics (formerly Invitae), Labcorp); PubMed 24084330 (cited by Labcorp Genetics (formerly Invitae), Labcorp).